The following is an entry in ClinVar:

ClinVar aggregate classification (germline): Uncertain significance. Review status: criteria provided, multiple submitters, no conflicts (2 of 4 stars). 2 submissions from 2 submitters: Uncertain significance (2). Last evaluated 2025-12-09.

Conditions:
Distal myopathy with posterior leg and anterior hand involvement. Also called: WILLIAMS DISTAL MYOPATHY. Identifiers: Orphanet 63273, MedGen C3279722, MONDO:0013550, OMIM 614065.
Myofibrillar myopathy 5. Also called: Filaminopathy (type); FILAMINOPATHY, AUTOSOMAL DOMINANT. Identifiers: Orphanet 171445, MedGen C1836050, MONDO:0012289, OMIM 609524.
Hypertrophic cardiomyopathy 26. Also called: Cardiomyopathy, familial hypertrophic, 26. Identifiers: Orphanet 75249, MedGen C4310749, MONDO:0014883, OMIM 617047.

Allele frequency attached by ClinVar (database versions not stated): TOPMed 0.00002; ExAC 0.00003; gnomAD exomes 0.00003.
gnomAD v4.1: 30 of 1,612,844 alleles (0.0019%); highest among the groups gnomAD compares: Admixed American, 0.0067%; no homozygotes.

Submissions (2):

Labcorp Genetics (formerly Invitae), Labcorp
Classification: Uncertain significance for Distal myopathy with posterior leg and anterior hand involvement; Myofibrillar myopathy 5; Hypertrophic cardiomyopathy 26. Last evaluated: 2025-12-09. Review status: criteria provided, single submitter. Criteria: Invitae Variant Classification Sherloc (09022015). Collection method: clinical testing. Allele origin: germline.
Comment: This sequence change falls in intron 7 of the FLNC gene. It does not directly change the encoded amino acid sequence of the FLNC protein. This variant is present in population databases (rs769599454, gnomAD 0.01%). This variant has been observed in individual(s) with clinical features of congenital myopathy (PMID: 31127727, 32112656). ClinVar contains an entry for this variant (Variation ID: 839076). Algorithms developed to predict the effect of sequence changes on RNA splicing suggest that this variant may create or strengthen a splice site. In summary, the available evidence is currently insufficient to determine the role of this variant in disease. Therefore, it has been classified as a Variant of Uncertain Significance.

Blueprint Genetics
Classification: Uncertain significance. Last evaluated: 2023-11-02. Review status: criteria provided, single submitter. Criteria: ACMG Guidelines, 2015. Collection method: clinical testing. Allele origin: germline.

Literature cited by the submitters: PubMed 31127727 (cited by Labcorp Genetics (formerly Invitae), Labcorp); PubMed 32112656 (cited by Labcorp Genetics (formerly Invitae), Labcorp).

NM_001458.5(FLNC):c.1211-5G>A

Gene: FLNC (filamin C; plus strand). Cytogenetic location: 7q32.1.
Variant type: single nucleotide variant.
Coding change: c.1211-5G>A on transcript NM_001458.5 (MANE Select); 5 bases into the intron before coding-DNA position 1211, G replaced by A.
Molecular consequence: intron variant.
Genome position (GRCh38, 1-based): chr7:128,838,598, G>A. VCF-style: chr7-128838598-G-A. GRCh37 (hg19) VCF-style: chr7-128478652-G-A.
Other names: c.1211-5G>A (NM_001127487.2).
Identifiers: ClinVar variation 839076 (VCV000839076.11), dbSNP rs769599454, ClinGen allele CA4474280.